The following is an entry in ClinVar:

ClinVar aggregate classification (germline): Uncertain significance (1 of 4 stars; one submission).

Conditions:
Bethlem myopathy 1A. Also called: Bethlem Muscular Dystrophy; Bethlem myopathy 1; MYOPATHY, BENIGN CONGENITAL, WITH CONTRACTURES. Identifiers: Orphanet 610, MedGen CN029274, MONDO:0024530, OMIM 158810.

Submission:

Labcorp Genetics (formerly Invitae), Labcorp
Classification: Uncertain significance for Bethlem myopathy 1A. Last evaluated: 2019-10-17. Review status: criteria provided, single submitter. Criteria: Invitae Variant Classification Sherloc (09022015). Collection method: clinical testing. Allele origin: germline.
Comment: This sequence change replaces leucine with serine at codon 429 of the COL6A3 protein (p.Leu429Ser). The leucine residue is moderately conserved and there is a large physicochemical difference between leucine and serine. In summary, the available evidence is currently insufficient to determine the role of this variant in disease. Therefore, it has been classified as a Variant of Uncertain Significance. Algorithms developed to predict the effect of missense changes on protein structure and function (SIFT, PolyPhen-2, Align-GVGD) all suggest that this variant is likely to be tolerated, but these predictions have not been confirmed by published functional studies and their clinical significance is uncertain. This variant has not been reported in the literature in individuals with COL6A3-related conditions. This variant is not present in population databases (ExAC no frequency).

NM_004369.4(COL6A3):c.1286T>C (p.Leu429Ser)

Gene: COL6A3 (collagen type VI alpha 3 chain; minus strand). Cytogenetic location: 2q37.3.
Variant type: single nucleotide variant.
Coding change: c.1286T>C on transcript NM_004369.4 (MANE Select); coding-DNA position 1286, T replaced by C.
Protein change: p.Leu429Ser; replaces leucine 429 with serine.
Molecular consequence: missense variant. On other transcripts: intron variant (2).
Genome position (GRCh38, 1-based): chr2:237,387,608, A>G on the plus strand (T>C on the coding strand, the complement: COL6A3 is on the minus strand). VCF-style: chr2-237387608-A-G. GRCh37 (hg19) VCF-style: chr2-238296251-A-G.
Other names: c.668T>C, p.Leu223Ser (NM_057165.5, NM_057167.4); c.92-6109T>C (NM_057166.5, NM_057164.5); short protein forms L223S, L429S.
Identifiers: ClinVar variation 969550 (VCV000969550.10), dbSNP rs2078177097, ClinGen allele CA351220873.